The following is an entry in ClinVar:

NM_000218.3(KCNQ1):c.1691A>G (p.Asp564Gly)

Gene: KCNQ1 (potassium voltage-gated channel subfamily Q member 1; plus strand). Cytogenetic location: 11p15.5.
Variant type: single nucleotide variant.
Coding change: c.1691A>G on transcript NM_000218.3 (MANE Select); coding-DNA position 1691, A replaced by G.
Protein change: p.Asp564Gly; replaces aspartic acid 564 with glycine.
Molecular consequence: missense variant.
Genome position (GRCh38, 1-based): chr11:2,776,991, A>G. VCF-style: chr11-2776991-A-G. GRCh37 (hg19) VCF-style: chr11-2798221-A-G.
Other names: c.1595A>G, p.Asp532Gly (NM_001406836.1); c.1421A>G, p.Asp474Gly (NM_001406837.1); c.1151A>G, p.Asp384Gly (NM_001406838.1); c.1310A>G, p.Asp437Gly (NM_181798.2); short protein forms D437G, D564G, D532G, D474G, D384G.
Identifiers: ClinVar variation 403694 (VCV000403694.9), dbSNP rs1554920808, ClinGen allele CA379139273.

ClinVar aggregate classification (germline): Uncertain significance. Review status: criteria provided, single submitter (1 of 4 stars). 2 submissions from 2 submitters: Uncertain significance (1). 1 of the submissions does not count toward it. Last evaluated 2021-11-14.

Conditions:
Long QT syndrome (LQTS). Identifiers: MedGen C0023976, MeSH D008133, MONDO:0002442. Disease mechanism: loss of function. Inheritance: Various modes of inheritance.
Long QT syndrome 1 (LQT1). Identifiers: Orphanet 101016, Orphanet 768, MedGen C4551647, MONDO:0100316, OMIM 192500, MONDO:0008646.

Submissions (2):

Labcorp Genetics (formerly Invitae), Labcorp
Classification: Uncertain significance for Long QT syndrome. Last evaluated: 2021-11-14. Review status: criteria provided, single submitter. Criteria: Invitae Variant Classification Sherloc (09022015). Collection method: clinical testing. Allele origin: germline.
Comment: In summary, the available evidence is currently insufficient to determine the role of this variant in disease. Therefore, it has been classified as a Variant of Uncertain Significance. Algorithms developed to predict the effect of missense changes on protein structure and function are either unavailable or do not agree on the potential impact of this missense change (SIFT: "Deleterious"; PolyPhen-2: "Probably Damaging"; Align-GVGD: "Class C0"). ClinVar contains an entry for this variant (Variation ID: 403694). This missense change has been observed in individual(s) with autosomal recessive long QT syndrome (PMID: 29033053). This variant is not present in population databases (gnomAD no frequency). This sequence change replaces aspartic acid, which is acidic and polar, with glycine, which is neutral and non-polar, at codon 564 of the KCNQ1 protein (p.Asp564Gly).

Akbari laboratory, Tarbiat Modares University
Classification: Likely pathogenic for Long QT syndrome 1. Last evaluated: 2017-02-18. Review status: no assertion criteria provided. Collection method: research. Allele origin: inherited. Inheritance: Autosomal recessive inheritance. Affected: yes and no. Observed: 17 variant alleles, 13 heterozygotes, 4 homozygotes. Clinical features observed: Prolonged QT interval, Syncope. Not counted in ClinVar's aggregate classification.
Comment: The variant was seen in four Romano-Ward LQTS patients in the two unrelated Iranian families.The genotype of more than 100 unrelated healthy individuals with the same ethnicity were determined but none of them displayed the same variant in either monoallelic or biallelic forms.

Literature cited by the submitters: PubMed 29033053 (cited by Labcorp Genetics (formerly Invitae), Labcorp and Akbari laboratory, Tarbiat Modares University).